The following continues an entry in ClinVar:

NM_000157.4(GBA1):c.1226A>G (p.Asn409Ser)

ClinVar aggregate classification (germline): Pathogenic/Likely pathogenic; risk factor. Pathogenic (49); Likely pathogenic (4).

Submissions 8 to 20 of 63:

3billion
Classification: Pathogenic for Gaucher disease type I. Last evaluated: 2025-05-11. Review status: criteria provided, single submitter. Criteria: ACMG Guidelines, 2015. Collection method: clinical testing. Allele origin: germline. Affected: yes.
Comment: The variant is observed at an extremely low frequency in the gnomAD v4.1.0 dataset (total allele frequency: 0.200%). Predicted Consequence/Location: The variant is located in a mutational hot spot and/or well-established functional domain in which established pathogenic variants have been reported. Functional studies provide strong evidence of the variant having a damaging effect on the gene or gene product (PMID: 25456120, 26905200). In silico tool predictions suggest damaging effect of the variant on gene or gene product [REVEL: 0.67 (>=0.6, sensitivity 0.68 and specificity 0.92); 3Cnet: 0.99 (> 0.75, sensitivity 0.96 and precision 0.92)]. The same nucleotide change resulting in the same amino acid change has been previously reported as pathogenic/likely pathogenic with strong evidence (ClinVar ID: VCV000004290). The variant has been reported to be in trans with a pathogenic variant as either compound heterozygous or homozygous in at least one similarly affected unrelated individual (PMID: 26096741). Therefore, this variant is classified as Pathogenic according to the recommendation of ACMG/AMP guideline.

Revvity Omics, Revvity
Classification: Pathogenic. Last evaluated: 2025-03-03. Review status: criteria provided, single submitter. Criteria: ACMG Guidelines, 2015. Collection method: clinical testing. Allele origin: germline.

Laboratory of Genetics, Children's Clinical University Hospital Latvia
Classification: Likely pathogenic. Last evaluated: 2025-02-16. Review status: criteria provided, single submitter. Criteria: ACMG Guidelines, 2015. Collection method: clinical testing. Allele origin: germline. Affected: yes.

ARUP Laboratories, Molecular Genetics and Genomics, ARUP Laboratories
Classification: Pathogenic. Last evaluated: 2024-11-27. Review status: criteria provided, single submitter. Criteria: ARUP Molecular Germline Variant Investigation Process 2024. Collection method: clinical testing. Allele origin: germline.
Comment: The GBA c.1226A>G; p.Asn409Ser variant (rs76763715, ClinVar Variation ID: 4290), also known as N370S, is a common pathogenic variant reported in the homozygous and compound heterozygous state in individuals with type I Gaucher disease (Fairley 2008, Grace 1994, Tsuji 1988). While this variant is found in the Ashkenazi Jewish population with an overall allele frequency of 2.7% (279/10368 alleles) in the Genome Aggregation Database, it is commonly associated with disease in individuals of Ashkenazi Jewish descent (Tsuji 1988). Functional studies demonstrate this variant has reduced enzymatic activity (Grace 1994, Tsuji 1988). Based on available information, this variant is considered to be pathogenic. References: Fairley C et al. Phenotypic heterogeneity of N370S homozygotes with type I Gaucher disease: an analysis of 798 patients from the ICGG Gaucher Registry. J Inherit Metab Dis. 2008;31(6):738-744. PMID: 18979180. Grace ME et al. Analysis of human acid beta-glucosidase by site-directed mutagenesis and heterologous expression. J Biol Chem. 1994;269(3):2283-2291. PMID: 8294487. Tsuji S et al. Genetic heterogeneity in type 1 Gaucher disease: multiple genotypes in Ashkenazic and non-Ashkenazic individuals. Proc Natl Acad Sci U S A. 1988;85(7):2349-2352. PMID: 3353383.

Blueprint Genetics
Classification: Pathogenic for GBA-related disorders. Last evaluated: 2024-11-20. Review status: criteria provided, single submitter. Criteria: ACMG Guidelines, 2015. Collection method: clinical testing. Allele origin: germline. Affected: yes. Observed: 5 variant alleles.

Victorian Clinical Genetics Services, Murdoch Childrens Research Institute
Classification: Pathogenic for Gaucher disease type I. Last evaluated: 2024-10-11. Review status: criteria provided, single submitter. Criteria: ACMG Guidelines, 2015. Collection method: clinical testing. Allele origin: germline. Inheritance: Autosomal recessive inheritance. Affected: no.
Comment: Based on the classification scheme VCGS_Germline_v1.3.5, this variant is classified as Pathogenic. Following criteria are met: 0102 - Loss of function is a known mechanism of disease in this gene and is associated with Gaucher disease (MIM# 230800, 230900, 231000, 231005, 608013). (I) 0106 - This gene is associated with autosomal recessive disease. The different types of Gaucher disease are considered to fall within a spectrum, rather than distinct conditions, and are determined by age of disease onset and the presence and severity of neurologic function. Specific counselling about individual case prognosis is hindered by a significant overlap in the clinical features of individuals with various genotypes (OMIM, PMID: 20301446). (I) 0115 - Variants in this gene are known to have variable expressivity. Gaucher disease is associated with marked clinical variability, even within the same family (PMID: 31010158). (I) 0200 - Variant is predicted to result in a missense amino acid change from asparagine to serine. (I) 0251 - This variant is heterozygous. (I) 0305 - Variant is present in gnomAD >=0.01 and <0.03 for a recessive condition (v4) (3207 heterozygotes, 8 homozygotes). (I) 0309 - An alternative amino acid change at the same position has been observed in gnomAD (v4) (2 heterozygotes, 0 homozygotes). (I) 0502 - Missense variant with conflicting in silico predictions and uninformative conservation. (I) 0600 - Variant is located in the annotated glycosyl hydrolase family 30 TIM-barrel domain (DECIPHER). (I) 0801 - This variant has strong previous evidence of pathogenicity in unrelated individuals. This variant, also known as N370S due to alternate nomenclature, is a well-established pathogenic variant associated Gaucher disease Type 1. It is has been reported as a mild allele, where homozygous carriers my remain asymptomatic (ClinVar; PMID: 31010158, 20301446). (I) Legend: (SP) - Supporting pathogenic, (I) - Information, (SB) - Supporting benign

Equipe Genetique des Anomalies du Developpement, Université de Bourgogne
Classification: Pathogenic for Parkinson disease, late-onset. Last evaluated: 2024-08-27. Review status: criteria provided, single submitter. Criteria: ACMG Guidelines, 2015. Collection method: clinical testing. Allele origin: germline. Affected: yes.
Comment: This missense variant is situated the functional domain Glyco_Hydro_30 and involves a conserved nucleotide. It was found in a heterozygous state. In silico prediction scores for this alteration are discordant. This variant is reported in population databases (v4.1.0), with an allele count of 3223. This variant is reported multiple times in ClinVar as pathogenic (VCV000004290.118). Pathogenic missense variants in this gene have been reported in individuals with Gaucher disease and Parkinsons disease (PMID: 23676350, 25249066, 26096741, 28779532). According to the available evidence, this variant is considered to be pathogenic.

Ambry Genetics
Classification: Pathogenic. Last evaluated: 2024-06-27. Review status: criteria provided, single submitter. Criteria: Ambry Variant Classification Scheme 2023. Collection method: clinical testing. Allele origin: germline.
Comment: The c.1226A>G (p.N409S) alteration is located in exon 10 (coding exon 9) of the GBA gene. This alteration results from an A to G substitution at nucleotide position 1226, causing the asparagine (N) at amino acid position 409 to be replaced by a serine (S). Based on data from gnomAD, the G allele has an overall frequency of 0.22% (632/282786) total alleles studied. The highest observed frequency was 2.69% (279/10368) of Ashkenazi Jewish alleles. This is the most common pathogenic variant found in autosomal recessive Gaucher disease and is associated with type 1 (non-neuronopathic) disease (Tsuji, 1988). One study including 798 homozygotes and 1278 compound heterozygotes determined this variant can cause a range of phenotypes, from mild adult-onset to pediatric onset with severe complications. However, this variant was not observed to be associated with central nervous system involvement (Fairley, 2008). This variant, with or without a second GBA variant, has also been associated with an increased risk of developing late onset Parkinson disease in multiple, large case-control studies (Sidransky, 2009; Gan-Or, 2015; Smith, 2022; Pitz, 2024). This amino acid position is not well conserved in available vertebrate species. A functional study found that Sf9 cells containing this mutation expressed significantly less protein when compared to wild-type (Montfort, 2004). The in silico prediction for this alteration is inconclusive. Based on the available evidence, this alteration is classified as pathogenic.

MVZ Medizinische Genetik Mainz
Classification: Pathogenic for Gaucher disease type I. Last evaluated: 2024-05-22. Review status: criteria provided, single submitter. Criteria: UK Practice Guidelines For Variant Classification V4 01 2020. Collection method: clinical testing. Allele origin: germline. Inheritance: Autosomal recessive inheritance. Affected: yes. Observed: 1 variant allele.
Comment: ACMG Criteria: PM3_VSTR,PS3_SUP,PM5_SUP,PP3

Mayo Clinic Laboratories, Mayo Clinic
Classification: Pathogenic. Last evaluated: 2024-04-29. Review status: criteria provided, single submitter. Criteria: ACMG Guidelines, 2015. Collection method: clinical testing. Allele origin: germline. Observed: 22 variant alleles.

Laboratory of Medical Genetics, National & Kapodistrian University of Athens
Classification: Pathogenic for Gaucher disease type I. Last evaluated: 2024-02-01. Review status: criteria provided, single submitter. Criteria: ACMG Guidelines, 2015. Collection method: curation. Allele origin: germline. Affected: no.

Baylor Genetics
Classification: Pathogenic for Gaucher disease type I. Last evaluated: 2023-11-25. Review status: criteria provided, single submitter. Criteria: ACMG Guidelines, 2015. Collection method: clinical testing. Allele origin: unknown.

Institute of Human Genetics, University of Leipzig Medical Center
Classification: Pathogenic for Gaucher disease type I. Last evaluated: 2023-11-20. Review status: criteria provided, single submitter. Criteria: ACMG Guidelines, 2015. Collection method: clinical testing. Allele origin: unknown. Inheritance: Autosomal recessive inheritance. Affected: yes.
Comment: Criteria applied: PM3_VSTR,PS3_SUP,PP3